The following is an entry in ClinVar:

ClinVar aggregate classification (germline): Uncertain significance (1 of 4 stars; one submission).

Submission:

Ambry Genetics
Classification: Uncertain significance. Last evaluated: 2025-06-10. Review status: criteria provided, single submitter. Criteria: Ambry Variant Classification Scheme 2023. Collection method: clinical testing. Allele origin: germline.
Comment: The p.P283L variant (also known as c.848C>T), located in coding exon 4 of the PALLD gene, results from a C to T substitution at nucleotide position 848. The proline at codon 283 is replaced by leucine, an amino acid with similar properties. This amino acid position is conserved. In addition, this alteration is predicted to be tolerated by in silico analysis. Based on the available evidence, the clinical significance of this variant remains unclear.

NM_001166108.2(PALLD):c.2360C>T (p.Pro787Leu)

Genes: CBR4 (carbonyl reductase 4; minus strand), PALLD (palladin, cytoskeletal associated protein; plus strand). Cytogenetic location: 4q32.3.
Variant type: single nucleotide variant.
Coding change: c.2360C>T on transcript NM_001166108.2 (MANE Select); coding-DNA position 2360, C replaced by T.
Protein change: p.Pro787Leu; replaces proline 787 with leucine.
Molecular consequence: missense variant.
Genome position (GRCh38, 1-based): chr4:168,898,602, C>T. VCF-style: chr4-168898602-C-T. GRCh37 (hg19) VCF-style: chr4-169819753-C-T.
Other names: c.1163C>T, p.Pro388Leu (NM_001166109.2); c.848C>T, p.Pro283Leu (NM_001166110.2); c.188C>T, p.Pro63Leu (NM_001367567.1, NM_001367569.1); c.239C>T, p.Pro80Leu (NM_001367568.1, NM_001367570.1); c.2309C>T, p.Pro770Leu (NM_016081.4); short protein forms P388L, P80L, P283L, P63L, P770L, P787L.
Identifiers: ClinVar variation 3927575 (VCV003927575.1).